The following is an entry in ClinVar:

ClinVar aggregate classification (germline): Uncertain significance (1 of 4 stars; one submission).

Allele frequency attached by ClinVar (database versions not stated): gnomAD 0.00001 and 0.00002; TOPMed 0.00001; gnomAD exomes 0.00002; 1000 Genomes Project 30x 0.00016; 1000 Genomes Project 0.00020.
gnomAD v4.1: 26 of 1,556,620 alleles (0.0017%); highest among the groups gnomAD compares: South Asian, 0.0036%; no homozygotes.

Submission:

Labcorp Genetics (formerly Invitae), Labcorp
Classification: Uncertain significance. Last evaluated: 2021-12-13. Review status: criteria provided, single submitter. Criteria: Invitae Variant Classification Sherloc (09022015). Collection method: clinical testing. Allele origin: germline.
Comment: This sequence change replaces glycine, which is neutral and non-polar, with serine, which is neutral and polar, at codon 412 of the ARHGEF1 protein (p.Gly412Ser). In summary, the available evidence is currently insufficient to determine the role of this variant in disease. Therefore, it has been classified as a Variant of Uncertain Significance. Algorithms developed to predict the effect of missense changes on protein structure and function (SIFT, PolyPhen-2, Align-GVGD) all suggest that this variant is likely to be disruptive. This variant has not been reported in the literature in individuals affected with ARHGEF1-related conditions. The frequency data for this variant in the population databases is considered unreliable, as metrics indicate poor data quality at this position in the gnomAD database.

NM_004706.4(ARHGEF1):c.1189G>A (p.Gly397Ser)

Gene: ARHGEF1 (Rho guanine nucleotide exchange factor 1; plus strand). Cytogenetic location: 19q13.2.
Variant type: single nucleotide variant.
Coding change: c.1189G>A on transcript NM_004706.4 (MANE Select); coding-DNA position 1189, G replaced by A.
Protein change: p.Gly397Ser; replaces glycine 397 with serine.
Molecular consequence: missense variant.
Genome position (GRCh38, 1-based): chr19:41,898,509, G>A. VCF-style: chr19-41898509-G-A. GRCh37 (hg19) VCF-style: chr19-42402658-G-A.
Other names: c.1090G>A, p.Gly364Ser (NM_198977.2); c.1234G>A, p.Gly412Ser (NM_199002.2); short protein forms G397S, G412S, G364S.
Identifiers: ClinVar variation 1371280 (VCV001371280.6), dbSNP rs541361665, ClinGen allele CA308587472.
Genomic context (GRCh38, chr19:41,898,509, plus strand): 5'-CCTGGAGATGAGGGGGAGCCGGGGCGGTCGGGACTGGAGCTTGAACCAGAAGAGCCTCCC[G>A]GCTGGCGGGAACTCGTCCCCCCAGACACCCTGCACAGCCTGCCCAAGAGCCAGGTGAAGC-3'
Protein context (NP_004697.2, residues 387-407): GLELEPEEPP[Gly397Ser]WRELVPPDTL